The following is an entry in ClinVar:

NM_001163809.2(WDR81):c.3557C>T (p.Thr1186Met)

Gene: WDR81 (WD repeat domain 81; plus strand). Cytogenetic location: 17p13.3.
Variant type: single nucleotide variant.
Coding change: c.3557C>T on transcript NM_001163809.2 (MANE Select); coding-DNA position 3557, C replaced by T.
Protein change: p.Thr1186Met; replaces threonine 1186 with methionine.
Molecular consequence: missense variant. On other transcripts: intron variant (2).
Genome position (GRCh38, 1-based): chr17:1,728,516, C>T. VCF-style: chr17-1728516-C-T. GRCh37 (hg19) VCF-style: chr17-1631810-C-T.
Other names: c.404C>T, p.Thr135Met (NM_152348.4); c.59-1864C>T (NM_001163673.2); c.-14-1864C>T (NM_001163811.2); short protein forms T1186M, T135M.
Identifiers: ClinVar variation 1703451 (VCV001703451.6), dbSNP rs756849013, ClinGen allele CA8273279.
Genomic context (GRCh38, chr17:1,728,516, plus strand): 5'-AGGAGGAGGAGGGGGAGCAGGAGGAGGTCACCGGGGCATCTGAGCTCACTCTGTCTGACA[C>T]GGTGCTGTCCATGGAGACGGTTGTGGCCGGCGGCAGTGGGGGAGATGGAGAAGAAGAGGA-3'
Protein context (NP_001157281.1, residues 1176-1196): TGASELTLSD[Thr1186Met]VLSMETVVAG

ClinVar aggregate classification (germline): Uncertain significance. Review status: criteria provided, multiple submitters, no conflicts (2 of 4 stars). 2 submissions from 2 submitters: Uncertain significance (2). Last evaluated 2024-06-14.

Conditions:
Inborn genetic diseases. Identifiers: MedGen C0950123, MeSH D030342.

Allele frequency attached by ClinVar (database versions not stated): gnomAD exomes 0.00004; TOPMed 0.00004; ExAC 0.00005; gnomAD 0.00002.
gnomAD v4.1: 61 of 1,577,160 alleles (0.0039%); highest among the groups gnomAD compares: Middle Eastern, 0.017%; no homozygotes.

Submissions (2):

GeneDx
Classification: Uncertain significance. Last evaluated: 2024-06-14. Review status: criteria provided, single submitter. Criteria: GeneDx Variant Classification Process June 2021. Collection method: clinical testing. Allele origin: germline.
Comment: Not observed at significant frequency in large population cohorts (gnomAD); In silico analysis supports that this missense variant does not alter protein structure/function; Has not been previously published as pathogenic or benign to our knowledge

Ambry Genetics
Classification: Uncertain significance for Inborn genetic diseases. Last evaluated: 2021-08-12. Review status: criteria provided, single submitter. Criteria: Ambry Variant Classification Scheme 2023. Collection method: clinical testing. Allele origin: germline.